The following is an entry in ClinVar:

NM_019098.5(CNGB3):c.2248C>T (p.Pro750Ser)

Gene: CNGB3 (cyclic nucleotide gated channel subunit beta 3; minus strand). Cytogenetic location: 8q21.3.
Variant type: single nucleotide variant.
Coding change: c.2248C>T on transcript NM_019098.5 (MANE Select); coding-DNA position 2248, C replaced by T.
Protein change: p.Pro750Ser; replaces proline 750 with serine.
Molecular consequence: missense variant.
Genome position (GRCh38, 1-based): chr8:86,575,986, G>A on the plus strand (C>T on the coding strand, the complement: CNGB3 is on the minus strand). VCF-style: chr8-86575986-G-A. GRCh37 (hg19) VCF-style: chr8-87588214-G-A.
Other names: short protein forms P750S.
Identifiers: ClinVar variation 363868 (VCV000363868.15), dbSNP rs3735971, ClinGen allele CA4799764.

ClinVar aggregate classification (germline): Conflicting classifications of pathogenicity. Review status: criteria provided, conflicting classifications (1 of 4 stars). 4 submissions from 3 submitters: Uncertain significance (2); Likely benign (2). Last evaluated 2026-01-26.

Conditions:
Achromatopsia 3 (ACHM3). Also called: PINGELAPESE BLINDNESS; TOTAL COLORBLINDNESS WITH MYOPIA; ROD MONOCHROMACY 1; ROD MONOCHROMATISM 1; ACHROMATOPSIA WITH MYOPIA. Identifiers: Orphanet 49382, MedGen C1849792, MONDO:0009875, OMIM 262300.
CNGB3-related disorder. Also called: CNGB3-related condition; CNGB3-related disorders. Identifiers: MedGen CN239340.
Severe early-childhood-onset retinal dystrophy (STGD1). Also called: STGD; Stargardt macular dystrophy; Juvenile onset macular degeneration; Stargardt disease 1; MACULAR DYSTROPHY WITH FLECKS, TYPE 1. Identifiers: Orphanet 364055, Orphanet 827, MedGen C1855465, MeSH D000080362, MONDO:0009549, OMIM 248200.

Allele frequency attached by ClinVar (database versions not stated): gnomAD 0.00004 and 0.00007; TOPMed 0.00010; 1000 Genomes Project 0.00020; 1000 Genomes Project 30x 0.00016; ExAC 0.00011; gnomAD exomes 0.00014.
gnomAD v4.1: 158 of 1,613,892 alleles (0.0098%); highest among the groups gnomAD compares: East Asian, 0.34%; no homozygotes.

Submissions (4):

Labcorp Genetics (formerly Invitae), Labcorp
Classification: Likely benign. Last evaluated: 2026-01-26. Review status: criteria provided, single submitter. Criteria: Invitae Variant Classification Sherloc (09022015). Collection method: clinical testing. Allele origin: germline.

PreventionGenetics, part of Exact Sciences
Classification: Likely benign for CNGB3-related condition. Last evaluated: 2024-10-19. Review status: criteria provided, single submitter. Criteria: ACMG Guidelines, 2015. Collection method: clinical testing. Allele origin: germline.
Comment: This variant is classified as likely benign based on ACMG/AMP sequence variant interpretation guidelines (Richards et al. 2015 PMID: 25741868, with internal and published modifications).

Illumina Laboratory Services, Illumina
Classification: Uncertain significance for Achromatopsia 3. Last evaluated: 2018-01-13. Review status: criteria provided, single submitter. Criteria: ICSL Variant Classification Criteria 13 December 2019. Collection method: clinical testing. Allele origin: germline.

Illumina Laboratory Services, Illumina
Classification: Uncertain significance for Severe early-childhood-onset retinal dystrophy. Last evaluated: 2018-01-13. Review status: criteria provided, single submitter. Criteria: ICSL Variant Classification Criteria 13 December 2019. Collection method: clinical testing. Allele origin: germline.